The following is an entry in ClinVar:

NM_015271.5(TRIM2):c.447T>A (p.Asp149Glu)

Gene: TRIM2 (tripartite motif containing 2; plus strand). Cytogenetic location: 4q31.3.
Variant type: single nucleotide variant.
Coding change: c.447T>A on transcript NM_015271.5 (MANE Select); coding-DNA position 447, T replaced by A.
Protein change: p.Asp149Glu; replaces aspartic acid 149 with glutamic acid.
Molecular consequence: missense variant. On other transcripts: 5 prime UTR variant (1).
Genome position (GRCh38, 1-based): chr4:153,276,124, T>A. VCF-style: chr4-153276124-T-A. GRCh37 (hg19) VCF-style: chr4-154197276-T-A.
Other names: c.366T>A, p.Asp122Glu (NM_001130067.2, NM_001351056.2, NM_001375512.1 and 5 more transcripts); c.447T>A, p.Asp149Glu (NM_001302692.2, NM_001375488.1, NM_001375490.1 and 1 more transcripts); c.444T>A, p.Asp148Glu (NM_001302693.2, NM_001375489.1, NM_001375491.1 and 1 more transcripts); c.420T>A, p.Asp140Glu (NM_001302694.2, NM_001351054.2); c.417T>A, p.Asp139Glu (NM_001351055.2); c.-111T>A (NM_001351057.2); c.108T>A, p.Asp36Glu (NM_001375522.1, NM_001375523.1, NM_001375525.1); short protein forms D122E, D148E, D139E, D149E, D36E, D140E.
Identifiers: ClinVar variation 2858273 (VCV002858273.3), dbSNP rs2546415120, ClinGen allele CA358470450.

ClinVar aggregate classification (germline): Uncertain significance (1 of 4 stars; one submission).

Conditions:
Charcot-Marie-Tooth disease type 2R. Also called: Charcot-Marie-Tooth disease, axonal, type 2R; CHARCOT-MARIE-TOOTH DISEASE, AXONAL, AUTOSOMAL RECESSIVE, TYPE 2R; CHARCOT-MARIE-TOOTH NEUROPATHY, TYPE 2R. Identifiers: Orphanet 397968, MedGen C3809655, MONDO:0014208, OMIM 615490.

gnomAD v4.1: 1 of 1,614,004 alleles (0.000062%); highest among the groups gnomAD compares: Non-Finnish European, 0.000085%; no homozygotes.

Submission:

Labcorp Genetics (formerly Invitae), Labcorp
Classification: Uncertain significance for Charcot-Marie-Tooth disease type 2R. Last evaluated: 2023-04-22. Review status: criteria provided, single submitter. Criteria: Invitae Variant Classification Sherloc (09022015). Collection method: clinical testing. Allele origin: germline.
Comment: This variant is not present in population databases (gnomAD no frequency). This variant has not been reported in the literature in individuals affected with TRIM2-related conditions. In summary, the available evidence is currently insufficient to determine the role of this variant in disease. Therefore, it has been classified as a Variant of Uncertain Significance. An algorithm developed to predict the effect of missense changes on protein structure and function (PolyPhen-2) suggests that this variant is likely to be tolerated. This sequence change replaces aspartic acid, which is acidic and polar, with glutamic acid, which is acidic and polar, at codon 122 of the TRIM2 protein (p.Asp122Glu).